The following is an entry in ClinVar:

NM_152383.5(DIS3L2):c.1228A>G (p.Ile410Val)

Gene: DIS3L2 (DIS3 like 3'-5' exoribonuclease 2; plus strand). Cytogenetic location: 2q37.1.
Variant type: single nucleotide variant.
Coding change: c.1228A>G on transcript NM_152383.5 (MANE Select); coding-DNA position 1228, A replaced by G.
Protein change: p.Ile410Val; replaces isoleucine 410 with valine.
Molecular consequence: missense variant. On other transcripts: non-coding transcript variant (2).
Genome position (GRCh38, 1-based): chr2:232,238,556, A>G. VCF-style: chr2-232238556-A-G. GRCh37 (hg19) VCF-style: chr2-233103266-A-G.
Other names: c.1228A>G, p.Ile410Val (NM_001257281.2); short protein forms I410V.
Identifiers: ClinVar variation 1446045 (VCV001446045.8), dbSNP rs1692996739, ClinGen allele CA351154602.

ClinVar aggregate classification (germline): Uncertain significance (1 of 4 stars; one submission).

Conditions:
Perlman syndrome (PRLMNS). Identifiers: Orphanet 2849, MedGen C0796113, MONDO:0009965, OMIM 267000.

gnomAD v4.1: 6 of 1,614,138 alleles (0.00037%); highest among the groups gnomAD compares: East Asian, 0.0067%; no homozygotes.

Submission:

Labcorp Genetics (formerly Invitae), Labcorp
Classification: Uncertain significance for Perlman syndrome. Last evaluated: 2021-04-23. Review status: criteria provided, single submitter. Criteria: Invitae Variant Classification Sherloc (09022015). Collection method: clinical testing. Allele origin: germline.
Comment: Algorithms developed to predict the effect of missense changes on protein structure and function are either unavailable or do not agree on the potential impact of this missense change (SIFT: "Deleterious"; PolyPhen-2: "Probably Damaging"; Align-GVGD: "Class C0"). In summary, the available evidence is currently insufficient to determine the role of this variant in disease. Therefore, it has been classified as a Variant of Uncertain Significance. This variant has not been reported in the literature in individuals with DIS3L2-related conditions. This variant is not present in population databases (ExAC no frequency). This sequence change replaces isoleucine with valine at codon 410 of the DIS3L2 protein (p.Ile410Val). The isoleucine residue is highly conserved and there is a small physicochemical difference between isoleucine and valine.